The following is an entry in ClinVar:

NM_012224.2(NEK1):c.-614C>A

Gene: NEK1 (NIMA related kinase 1; minus strand). Cytogenetic location: 4q33.
Variant type: single nucleotide variant.
Coding change: c.-614C>A on transcript NM_012224.2; 614 bases upstream of the start codon, C replaced by A.
Genome position (GRCh38, 1-based): chr4:169,612,585, G>T on the plus strand (C>A on the coding strand, the complement: NEK1 is on the minus strand). VCF-style: chr4-169612585-G-T. GRCh37 (hg19) VCF-style: chr4-170533736-G-T.
Identifiers: ClinVar variation 348135 (VCV000348135.9), dbSNP rs10520157, ClinGen allele CA10617411.

ClinVar aggregate classification (germline): Benign. Review status: criteria provided, multiple submitters, no conflicts (2 of 4 stars). 3 submissions from 3 submitters: Benign (3). Last evaluated 2018-06-23.

Conditions:
Short-rib thoracic dysplasia 6 with or without polydactyly (SRTD6). Also called: SHORT RIB-POLYDACTYLY SYNDROME, TYPE IIA; POLYDACTYLY WITH NEONATAL CHONDRODYSTROPHY, TYPE II; SHORT-RIB THORACIC DYSPLASIA 6 WITH POLYDACTYLY; SHORT-RIB THORACIC DYSPLASIA 6 WITHOUT POLYDACTYLY; Majewski Syndrome. Identifiers: MedGen C0024507, MONDO:0009894, OMIM 263520.

Allele frequency attached by ClinVar (database versions not stated): 1000 Genomes Project 30x 0.11352; TOPMed 0.11659; gnomAD exomes 0.18493; 1000 Genomes Project 0.11781.

Submissions (3):

GeneDx
Classification: Benign. Last evaluated: 2018-06-23. Review status: criteria provided, single submitter. Criteria: GeneDx Variant Classification Process June 2021. Collection method: clinical testing. Allele origin: germline. Affected: yes.

Illumina Laboratory Services, Illumina
Classification: Benign for Short-rib thoracic dysplasia 6 with or without polydactyly. Last evaluated: 2018-01-13. Review status: criteria provided, single submitter. Criteria: ICSL Variant Classification Criteria 13 December 2019. Collection method: clinical testing. Allele origin: germline.
Comment: This variant was observed in the ICSL laboratory as part of a predisposition screen in an ostensibly healthy population. It had not been previously curated by ICSL or reported in the Human Gene Mutation Database (HGMD: prior to June 1st, 2018), and was therefore a candidate for classification through an automated scoring system. Utilizing variant allele frequency, disease prevalence and penetrance estimates, and inheritance mode, an automated score was calculated to assess if this variant is too frequent to cause the disease. Based on the score and internal cut-off values, a variant classified as benign is not then subjected to further curation. The score for this variant resulted in a classification of benign for this disease.

Breakthrough Genomics
Classification: Benign. Review status: criteria provided, single submitter. Criteria: ACMG Guidelines, 2015. Collection method: not provided. Allele origin: germline. Inheritance: Autosomal recessive inheritance. Affected: yes.